The following is an entry in ClinVar:

ClinVar aggregate classification (germline): Likely benign. Review status: criteria provided, multiple submitters, no conflicts (2 of 4 stars). 2 submissions from 2 submitters: Likely benign (2). Last evaluated 2025-02-07.

Conditions:
ROBO1-related disorder. Also called: ROBO1-related condition.

gnomAD v4.1: 416 of 1,613,912 alleles (0.026%); highest among the groups gnomAD compares: East Asian, 0.62%; 2 homozygotes.

Submissions (2):

PreventionGenetics, part of Exact Sciences
Classification: Likely benign for ROBO1-related condition. Last evaluated: 2025-02-07. Review status: criteria provided, single submitter. Criteria: ACMG Guidelines, 2015. Collection method: clinical testing. Allele origin: germline.
Comment: This variant is classified as likely benign based on ACMG/AMP sequence variant interpretation guidelines (Richards et al. 2015 PMID: 25741868, with internal and published modifications).

Labcorp Genetics (formerly Invitae), Labcorp
Classification: Likely benign. Last evaluated: 2025-01-27. Review status: criteria provided, single submitter. Criteria: Invitae Variant Classification Sherloc (09022015). Collection method: clinical testing. Allele origin: germline.

NM_002941.4(ROBO1):c.4688G>A (p.Arg1563His)

Gene: ROBO1 (roundabout guidance receptor 1; minus strand). Cytogenetic location: 3p12.3.
Variant type: single nucleotide variant.
Coding change: c.4688G>A on transcript NM_002941.4 (MANE Select); coding-DNA position 4688, G replaced by A.
Protein change: p.Arg1563His; replaces arginine 1563 with histidine.
Molecular consequence: missense variant.
Genome position (GRCh38, 1-based): chr3:78,606,789, C>T on the plus strand (G>A on the coding strand, the complement: ROBO1 is on the minus strand). VCF-style: chr3-78606789-C-T. GRCh37 (hg19) VCF-style: chr3-78655939-C-T.
Other names: c.4388G>A, p.Arg1463His (NM_001145845.2); c.4553G>A, p.Arg1518His (NM_133631.4); c.4688G>A (NM_002941.3); short protein forms R1463H, R1518H, R1563H.
Identifiers: ClinVar variation 3667176 (VCV003667176.3).